The following is an entry in ClinVar:

ClinVar aggregate classification (germline): Uncertain significance. Review status: criteria provided, multiple submitters, no conflicts (2 of 4 stars). 4 submissions from 4 submitters: Uncertain significance (3). 1 of the submissions does not count toward it. Last evaluated 2026-09-01.

Conditions:
Polycystic kidney disease, adult type (PKD1). Also called: Polycystic Kidney, Autosomal Dominant; Polycystic Kidney Disease 1, Autosomal Dominant; Polycystic kidney disease 1; Polycystic kidney disease 1, severe; POLYCYSTIC KIDNEY DISEASE 1 WITH OR WITHOUT POLYCYSTIC LIVER DISEASE; POLYCYSTIC KIDNEY DISEASE, ADULT, TYPE I. Identifiers: MedGen C3149841, MONDO:0008263, OMIM 173900.
PKD1-related disorder. Also called: PKD1-related condition.
Polycystic kidney disease. Also called: Kidney, Polycystic; Polycystic kidney dysplasia. Identifiers: MedGen C0022680, MeSH D007690, MONDO:0020642, HP:0000113.

Submissions (4):

PreventionGenetics, part of Exact Sciences
Classification: Uncertain significance for PKD1-related condition. Last evaluated: 2026-09-01. Review status: criteria provided, single submitter. Criteria: ACMG Guidelines, 2015. Collection method: clinical testing. Allele origin: germline.
Comment: The PKD1 c.4039C>G variant is predicted to result in the amino acid substitution p.His1347Asp. This variant was reported in individuals with autosomal dominant polycystic kidney disease (ADPKD) (Supplementary Data of Lindemann et al. 2023. PubMed ID: 36938073; Table S1 of Kimura et al. 2023. PubMed ID: 37509056). This variant has not been reported in a large population database (gnomAD), indicating this variant is rare. Although we suspect that this variant is pathogenic, at this time, the clinical significance of this variant is uncertain due to the absence of conclusive functional and genetic evidence.

Mayo Clinic Laboratories, Mayo Clinic
Classification: Uncertain significance. Last evaluated: 2025-07-16. Review status: criteria provided, single submitter. Criteria: ACMG Guidelines, 2015. Collection method: clinical testing. Allele origin: germline. Observed: 2 variant alleles.
Comment: PP3, PM1_supporting, PM2_supporting, PS4_supporting

Victorian Clinical Genetics Services, Murdoch Childrens Research Institute
Classification: Uncertain significance for Polycystic kidney disease, adult type. Last evaluated: 2025-02-27. Review status: criteria provided, single submitter. Criteria: ACMG Guidelines, 2015. Collection method: clinical testing. Allele origin: germline. Affected: yes.
Comment: This variant is classified as VUS-3A. Evidence in support of pathogenic classification: Variant is absent from gnomAD (v2, v3 and v4); Missense variant predicted to be damaging by in silico tool(s) or highly conserved with a major amino acid change. Additional information: Variant is predicted to result in a missense amino acid change from histidine to aspartic acid; This variant is heterozygous; This gene is associated with autosomal dominant disease. Polycystic kidney disease 1 (MIM#173900) is predominantly caused by monoallelic variants, with rare reports of biallelic variants causing disease (OMIM); Alternative amino acid change(s) at the same position are present in gnomAD (Highest allele count: v4: 12 heterozygote(s), 0 homozygote(s)); Previous evidence of pathogenicity for this variant is inconclusive. This variant has been classified as a VUS by a diagnostic laboratory in ClinVar; No published segregation evidence has been identified for this variant; No published functional evidence has been identified for this variant; No comparable missense variants have previous evidence for pathogenicity; Variant is located in the annotated PKD domain (DECIPHER); Loss of function is a known mechanism of disease in this gene and is associated with polycystic kidney disease 1 (MIM#173900); Inheritance information for this variant is not currently available in this individual.

Department of Pathology and Laboratory Medicine, Sinai Health System
Classification: Uncertain significance for Polycystic Kidney disease. Review status: no assertion criteria provided. Collection method: clinical testing. Allele origin: unknown. Affected: yes. Study: The Canadian Open Genetics Repository (COGR). Not counted in ClinVar's aggregate classification.
Comment: The PKD1 p.His1347Asp variant was not identified in the literature nor was it identified in the dbSNP, ClinVar, LOVD 3.0, ADPKD Mutation Database, or PKD1-LOVD databases. The variant was not identified in the following control databases: the Exome Aggregation Consortium (August 8th 2016) or the Genome Aggregation Database (Feb 27, 2017). The p.His1347 residue is conserved across mammals and other organisms, and 4 of 4 computational analyses (SIFT, AlignGVGD, BLOSUM, MutationTaster) suggest that the variant may impact the protein; however, this information is not predictive enough to assume pathogenicity. The variant occurs outside of the splicing consensus sequence and in silico or computational prediction software programs (SpliceSiteFinder, MaxEntScan, NNSPLICE, GeneSplicer) do not predict a difference in splicing. In summary, based on the above information, the clinical significance of this variant cannot be determined with certainty at this time. This variant is classified as a variant of uncertain significance.

Literature cited by the submitters: PubMed 19759016 (cited by Mayo Clinic Laboratories, Mayo Clinic); PubMed 36938073 (cited by Mayo Clinic Laboratories, Mayo Clinic); PubMed 37509056 (cited by Mayo Clinic Laboratories, Mayo Clinic); PubMed 9889186 (cited by Mayo Clinic Laboratories, Mayo Clinic).

NM_001009944.3(PKD1):c.4039C>G (p.His1347Asp)

Gene: PKD1 (polycystin 1, transient receptor potential channel interacting; minus strand). Cytogenetic location: 16p13.3.
Variant type: single nucleotide variant.
Coding change: c.4039C>G on transcript NM_001009944.3 (MANE Select); coding-DNA position 4039, C replaced by G.
Protein change: p.His1347Asp; replaces histidine 1347 with aspartic acid.
Molecular consequence: missense variant.
Genome position (GRCh38, 1-based): chr16:2,111,128, G>C on the plus strand (C>G on the coding strand, the complement: PKD1 is on the minus strand). VCF-style: chr16-2111128-G-C. GRCh37 (hg19) VCF-style: chr16-2161129-G-C.
Other names: p.His1347Asp; c.4039C>G, p.His1347Asp (NM_000296.4); c.4039C>G (NM_001009944.2); short protein forms H1347D.
Identifiers: ClinVar variation 997103 (VCV000997103.4), dbSNP rs774648280, ClinGen allele CA394381725.